The following is an entry in ClinVar:

ClinVar aggregate classification (germline): Uncertain significance (1 of 4 stars; one submission).

Allele frequency attached by ClinVar (database versions not stated): gnomAD exomes below 0.00001 and 0.00001; gnomAD 0.00001; 1000 Genomes Project 30x 0.00016; 1000 Genomes Project 0.00020.

Submission:

Labcorp Genetics (formerly Invitae), Labcorp
Classification: Uncertain significance. Last evaluated: 2025-08-29. Review status: criteria provided, single submitter. Criteria: Invitae Variant Classification Sherloc (09022015). Collection method: clinical testing. Allele origin: germline.
Comment: This sequence change replaces histidine, which is basic and polar, with tyrosine, which is neutral and polar, at codon 150 of the IRF4 protein (p.His150Tyr). This variant is not present in population databases (gnomAD no frequency). This variant has not been reported in the literature in individuals affected with IRF4-related conditions. ClinVar contains an entry for this variant (Variation ID: 1515825). An algorithm developed to predict the effect of missense changes on protein structure and function (PolyPhen-2) suggests that this variant is likely to be tolerated. In summary, the available evidence is currently insufficient to determine the role of this variant in disease. Therefore, it has been classified as a Variant of Uncertain Significance.

NM_002460.4(IRF4):c.448C>T (p.His150Tyr)

Gene: IRF4 (interferon regulatory factor 4; plus strand). Cytogenetic location: 6p25.3.
Variant type: single nucleotide variant.
Coding change: c.448C>T on transcript NM_002460.4 (MANE Select); coding-DNA position 448, C replaced by T.
Protein change: p.His150Tyr; replaces histidine 150 with tyrosine.
Molecular consequence: missense variant. On other transcripts: non-coding transcript variant (1).
Genome position (GRCh38, 1-based): chr6:395,891, C>T. VCF-style: chr6-395891-C-T. GRCh37 (hg19) VCF-style: chr6-395891-C-T.
Other names: c.448C>T, p.His150Tyr (NM_001195286.2); short protein forms H150Y.
Identifiers: ClinVar variation 1515825 (VCV001515825.8), dbSNP rs201185528, ClinGen allele CA133331838.